The following is an entry in ClinVar:

ClinVar aggregate classification (germline): Uncertain significance. Review status: criteria provided, multiple submitters, no conflicts (2 of 4 stars). 2 submissions from 2 submitters: Uncertain significance (2). Last evaluated 2024-03-13.

Conditions:
Familial hemiplegic migraine. Identifiers: MedGen C0338484, MONDO:0000700.

Allele frequency attached by ClinVar (database versions not stated): gnomAD exomes below 0.00001.
gnomAD v4.1: 3 of 1,606,728 alleles (0.00019%); highest among the groups gnomAD compares: Non-Finnish European, 0.00026%; no homozygotes.

Submissions (2):

Labcorp Genetics (formerly Invitae), Labcorp
Classification: Uncertain significance for Familial hemiplegic migraine. Last evaluated: 2024-03-13. Review status: criteria provided, single submitter. Criteria: Invitae Variant Classification Sherloc (09022015). Collection method: clinical testing. Allele origin: germline.
Comment: This sequence change replaces arginine, which is basic and polar, with glutamine, which is neutral and polar, at codon 412 of the ATP1A2 protein (p.Arg412Gln). This variant is not present in population databases (gnomAD no frequency). This variant has not been reported in the literature in individuals affected with ATP1A2-related conditions. ClinVar contains an entry for this variant (Variation ID: 1691206). Advanced modeling of protein sequence and biophysical properties (such as structural, functional, and spatial information, amino acid conservation, physicochemical variation, residue mobility, and thermodynamic stability) performed at Invitae indicates that this missense variant is not expected to disrupt ATP1A2 protein function with a negative predictive value of 80%. In summary, the available evidence is currently insufficient to determine the role of this variant in disease. Therefore, it has been classified as a Variant of Uncertain Significance.

GeneDx
Classification: Uncertain significance. Last evaluated: 2022-11-30. Review status: criteria provided, single submitter. Criteria: GeneDx Variant Classification Process June 2021. Collection method: clinical testing. Allele origin: germline. Affected: yes.
Comment: Not observed at significant frequency in large population cohorts (gnomAD); In silico analysis supports that this missense variant does not alter protein structure/function; Has not been previously published as pathogenic or benign to our knowledge; This variant is associated with the following publications: (PMID: 18184292)

NM_000702.4(ATP1A2):c.1235G>A (p.Arg412Gln)

Gene: ATP1A2 (ATPase Na+/K+ transporting subunit alpha 2; plus strand). Cytogenetic location: 1q23.2.
Variant type: single nucleotide variant.
Coding change: c.1235G>A on transcript NM_000702.4 (MANE Select); coding-DNA position 1235, G replaced by A.
Protein change: p.Arg412Gln; replaces arginine 412 with glutamine.
Molecular consequence: missense variant.
Genome position (GRCh38, 1-based): chr1:160,128,998, G>A. VCF-style: chr1-160128998-G-A. GRCh37 (hg19) VCF-style: chr1-160098788-G-A.
Other names: short protein forms R412Q.
Identifiers: ClinVar variation 1691206 (VCV001691206.5), dbSNP rs765021457, ClinGen allele CA31494923.